The following is an entry in ClinVar:

NM_005609.4(PYGM):c.1558C>T (p.Arg520Cys)

Gene: PYGM (glycogen phosphorylase, muscle associated; minus strand). Cytogenetic location: 11q13.1.
Variant type: single nucleotide variant.
Coding change: c.1558C>T on transcript NM_005609.4 (MANE Select); coding-DNA position 1558, C replaced by T.
Protein change: p.Arg520Cys; replaces arginine 520 with cysteine.
Molecular consequence: missense variant.
Genome position (GRCh38, 1-based): chr11:64,752,465, G>A on the plus strand (C>T on the coding strand, the complement: PYGM is on the minus strand). VCF-style: chr11-64752465-G-A. GRCh37 (hg19) VCF-style: chr11-64519937-G-A.
Other names: c.1294C>T, p.Arg432Cys (NM_001164716.1); short protein forms R432C, R520C.
Identifiers: ClinVar variation 877375 (VCV000877375.13), dbSNP rs200481790, ClinGen allele CA6079811.

ClinVar aggregate classification (germline): Uncertain significance. Review status: criteria provided, multiple submitters, no conflicts (2 of 4 stars). 6 submissions from 6 submitters: Uncertain significance (6). Last evaluated 2024-10-17.

Conditions:
Glycogen storage disease, type V (GSD5). Also called: MCARDLE DISEASE; MUSCLE GLYCOGEN PHOSPHORYLASE DEFICIENCY; MYOPHOSPHORYLASE DEFICIENCY; PYGM DEFICIENCY; McArdle type glycogen storage disease. Identifiers: Orphanet 368, MedGen C0017924, MONDO:0009293, OMIM 232600.

Allele frequency attached by ClinVar (database versions not stated): gnomAD exomes 0.00006 and 0.00008; gnomAD 0.00009 and 0.00010; TOPMed 0.00009; ExAC 0.00007; ESP Exome Variant Server 0.00031.

Submissions (6):

Blueprint Genetics
Classification: Uncertain significance. Last evaluated: 2024-10-17. Review status: criteria provided, single submitter. Criteria: ACMG Guidelines, 2015. Collection method: clinical testing. Allele origin: germline.

Fulgent Genetics
Classification: Uncertain significance for Glycogen storage disease, type V. Last evaluated: 2024-06-11. Review status: criteria provided, single submitter. Criteria: ACMG Guidelines, 2015. Collection method: clinical testing. Allele origin: germline.

Revvity Omics, Revvity
Classification: Uncertain significance for Glycogen storage disease, type V. Last evaluated: 2024-02-07. Review status: criteria provided, single submitter. Criteria: ACMG Guidelines, 2015. Collection method: clinical testing. Allele origin: germline.

Labcorp Genetics (formerly Invitae), Labcorp
Classification: Uncertain significance for Glycogen storage disease, type V. Last evaluated: 2022-05-01. Review status: criteria provided, single submitter. Criteria: Invitae Variant Classification Sherloc (09022015). Collection method: clinical testing. Allele origin: germline.
Comment: This sequence change replaces arginine, which is basic and polar, with cysteine, which is neutral and slightly polar, at codon 520 of the PYGM protein (p.Arg520Cys). This variant is present in population databases (rs200481790, gnomAD 0.009%). This variant has not been reported in the literature in individuals affected with PYGM-related conditions. ClinVar contains an entry for this variant (Variation ID: 877375). Algorithms developed to predict the effect of missense changes on protein structure and function are either unavailable or do not agree on the potential impact of this missense change (SIFT: "Not Available"; PolyPhen-2: "Possibly Damaging"; Align-GVGD: "Not Available"). In summary, the available evidence is currently insufficient to determine the role of this variant in disease. Therefore, it has been classified as a Variant of Uncertain Significance.

Genome-Nilou Lab
Classification: Uncertain significance for Glycogen storage disease, type V. Last evaluated: 2021-07-22. Review status: criteria provided, single submitter. Criteria: ACMG Guidelines, 2015. Collection method: clinical testing. Allele origin: germline. Affected: no.

Illumina Laboratory Services, Illumina
Classification: Uncertain significance for Glycogen storage disease, type V. Last evaluated: 2018-01-12. Review status: criteria provided, single submitter. Criteria: ICSL Variant Classification Criteria 13 December 2019. Collection method: clinical testing. Allele origin: germline.